The following is an entry in ClinVar:

ClinVar aggregate classification (germline): Uncertain significance (0 of 4 stars; one submission).

Submission:

Department of Pathology and Laboratory Medicine, Sinai Health System
Classification: Uncertain significance. Review status: no assertion criteria provided. Collection method: clinical testing. Allele origin: unknown. Affected: yes. Study: The Canadian Open Genetics Repository (COGR).
Comment: The INSL3 p.T127S variant was not identified in the literature nor was it identified in dbSNP, ClinVar or in the following control databases: the 1000 Genomes Project, the NHLBI GO Exome Sequencing Project, or the Genome Aggregation Database (March 6, 2019, v2.1.1). The p.T127 residue is not highly conserved in mammals and computational analyses (MUT Assesor, PolyPhen-2, SIFT, MutationTaster, Revel, FATHMM, MetaLR, DANN) provide inconsistent predictions regarding the impact to the protein; this information is not very predictive of pathogenicity. The variant occurs outside of the splicing consensus sequence and in silico or computational prediction software programs (Splice AI exome) do not predict a difference in splicing. In summary, based on the above information the clinical significance of this variant cannot be determined with certainty at this time. This variant is classified as a variant of uncertain significance.

NM_005543.4(INSL3):c.380C>G (p.Thr127Ser)

Gene: INSL3 (insulin like 3; minus strand). Cytogenetic location: 19p13.11.
Variant type: single nucleotide variant.
Coding change: c.380C>G on transcript NM_005543.4 (MANE Select); coding-DNA position 380, C replaced by G.
Protein change: p.Thr127Ser; replaces threonine 127 with serine.
Molecular consequence: missense variant. On other transcripts: 3 prime UTR variant (1).
Genome position (GRCh38, 1-based): chr19:17,816,870, G>C on the plus strand (C>G on the coding strand, the complement: INSL3 is on the minus strand). VCF-style: chr19-17816870-G-C. GRCh37 (hg19) VCF-style: chr19-17927679-G-C.
Other names: c.*1C>G (NM_001265587.2); short protein forms T127S.
Identifiers: ClinVar variation 1049795 (VCV001049795.1), dbSNP rs2147660403, ClinGen allele CA404760575.